The following is an entry in ClinVar:

NM_012199.5(AGO1):c.536TCT[1] (p.Phe180del)

Gene: AGO1 (argonaute RISC component 1; plus strand). Cytogenetic location: 1p34.3.
Variant type: Microsatellite.
Coding change: c.536TCT[1] on transcript NM_012199.5 (MANE Select); one copy of the 3-base unit TCT starting at c.536; the reference has two copies in a row; one copy, 3 bases deleted; also written c.539_541del.
Protein change: p.Phe180del; deletes phenylalanine 180.
Molecular consequence: inframe deletion.
Genome position (GRCh38, 1-based): chr1:35,893,700-35,893,702, TCT deleted; deleting any 3 consecutive bases within chr1:35,893,695-35,893,702 gives the same sequence; the position shown is the placement nearest the transcript's 3' end. VCF-style (leftmost placement, unchanged base first): chr1-35893694-CCTT-C. GRCh37 (hg19) VCF-style: chr1-36359295-CCTT-C.
Other names: c.539_541del (NM_012199.2, NM_012199.5, NM_001317122.1); c.314_316delTCT (NM_001317123.1); c.539_541delTCT (NM_012199.3); c.536TCT[1], p.Phe180del (NM_001317122.2); c.311TCT[1], p.Phe105del (NM_001317123.2); short protein forms F180del, F105del.
Identifiers: ClinVar variation 521576 (VCV000521576.26), dbSNP rs1553154062, ClinGen allele CA658795426.

ClinVar aggregate classification (germline): Conflicting classifications of pathogenicity. Review status: criteria provided, conflicting classifications (1 of 4 stars). 16 submissions from 16 submitters: Pathogenic (7); Likely pathogenic (5); Uncertain significance (2). 2 of the submissions do not count toward it. Last evaluated 2026-08-21.

Conditions:
Inborn genetic diseases. Identifiers: MedGen C0950123, MeSH D030342.
Severe global developmental delay. Also called: Severe psychomotor retardation. Identifiers: MedGen C1837397, HP:0011344.
Seizure. Also called: Seizures. Identifiers: MedGen C0036572, HP:0001250.
Self-injurious behavior. Identifiers: MedGen C0085271, HP:0100716.
Tremor. Also called: tremors. Identifiers: MedGen C0040822, HP:0001337.
Severe intellectual disability. Identifiers: MedGen C0036857, HP:0010864.
AGO1-related disorder. Also called: AGO1-related condition.
Neurodevelopmental abnormality. Identifiers: MedGen C4022737, HP:0012759.
Neurodevelopmental disorder with language delay and behavioral abnormalities, with or without seizures (NEDLBAS). Identifiers: MedGen C5830365, MONDO:0859531, OMIM 620292.

Submissions (16):

PreventionGenetics, part of Exact Sciences
Classification: Likely pathogenic for AGO1-related condition. Last evaluated: 2026-08-21. Review status: criteria provided, single submitter. Criteria: ACMG Guidelines, 2015. Collection method: clinical testing. Allele origin: germline.
Comment: The AGO1 c.539_541delTCT variant is predicted to result in an in-frame deletion (p.Phe180del). This variant has been reported as a de novo variant in individuals with AGO-1-related disorders (Supplementary Data, Schalk et al. 2021. PubMed ID: 34930816; Niu et al. 2022. PubMed ID: 35060114; Table S4, Spataro et al. 2023. PubMed ID: 36980980). This variant has not been reported in a large population database (gnomAD), indicating this variant is rare. This variant is classified as likely pathogenic or pathogenic by the majority of laboratories in ClinVar (Variation ID: 521576). This variant is interpreted as likely pathogenic.

CeGaT Center for Human Genetics Tuebingen
Classification: Pathogenic. Last evaluated: 2026-08-01. Review status: criteria provided, single submitter. Criteria: CeGaT Center For Human Genetics Tuebingen Variant Classification Criteria Version 2. Collection method: clinical testing. Allele origin: germline. Affected: yes. Observed: 1 variant allele.
Comment: AGO1: PS2, PS4, PM2, PM4:Supporting

Department of Clinical Genetics, Aarhus University Hospital
Classification: Pathogenic for Neurodevelopmental disorder with language delay and behavioral abnormalities, with or without seizures. Last evaluated: 2026-05-05. Review status: criteria provided, single submitter. Criteria: ACMG Guidelines, 2015. Collection method: clinical testing. Allele origin: de novo. Inheritance: Autosomal dominant inheritance. Affected: yes.
Comment: The variant is not seen in the gnomAD 4.1 database. The variant is an in-frame single amino acid deletion in the AGO1 protein Linker 1 domain. The same variant is reported de novo in multiple other patients with AGO1-related disorder. According to the ACMG guidelines, this variant is interpreted as pathogenic (PM2_supporting, PS2_supporting).

3billion
Classification: Likely pathogenic for Neurodevelopmental disorder with language delay and behavioral abnormalities, with or without seizures. Last evaluated: 2025-08-07. Review status: criteria provided, single submitter. Criteria: ACMG Guidelines, 2015. Collection method: clinical testing. Allele origin: germline. Affected: yes.
Comment: The variant is not observed in the gnomAD v4.1.0 dataset. Predicted Consequence/Location: Inframe deletion located in a nonrepeat region: predicted to change the length of the protein and disrupt normal protein function. The variant has been reported at least twice as pathogenic with clinical assertions and evidence for the classification (ClinVar ID: VCV000521576 /PMID: 35060114). Therefore, this variant is classified as Likely pathogenic according to the recommendation of ACMG/AMP guideline.

GeneDx
Classification: Pathogenic. Last evaluated: 2025-03-19. Review status: criteria provided, single submitter. Criteria: GeneDx Variant Classification Process June 2021. Collection method: clinical testing. Allele origin: germline. Affected: yes.
Comment: In-frame deletion of one amino acid in a non-repeat region; Not observed at significant frequency in large population cohorts (gnomAD); In silico analysis supports a deleterious effect on protein structure/function; This variant is associated with the following publications: (PMID: 35060114, 34930816, 36563181, 35982159, 36980980, 35982160, 33057194, 38412125)

Institute of Medical Genetics and Applied Genomics, University Hospital Tübingen
Classification: Pathogenic for Neurodevelopmental disorder with language delay and behavioral abnormalities, with or without seizures. Last evaluated: 2025-01-02. Review status: criteria provided, single submitter. Criteria: ACMG Guidelines, 2015. Collection method: clinical testing. Allele origin: germline. Inheritance: Autosomal dominant inheritance. Affected: yes.

Victorian Clinical Genetics Services, Murdoch Childrens Research Institute
Classification: Pathogenic for Neurodevelopmental disorder with language delay and behavioral abnormalities, with or without seizures. Last evaluated: 2024-09-20. Review status: criteria provided, single submitter. Criteria: ACMG Guidelines, 2015. Collection method: clinical testing. Allele origin: germline. Inheritance: Autosomal dominant inheritance. Affected: yes.
Comment: Based on the classification scheme VCGS_Germline_v1.3.4, this variant is classified as Pathogenic. Following criteria are met: 0105 - The mechanism of disease for this gene is not clearly established. This gene is associated with neurodevelopmental disorder with language delay and behavioural abnormalities, with or without seizures (MIM#620292). (I) 0107 - This gene is associated with autosomal dominant disease. (I) 0213 - In-frame deletion in a non-repetitive region that has high conservation. (SP) 0251 - This variant is heterozygous. (I) 0301 - Variant is absent from gnomAD (both v2 and v3). (SP) 0600 - Variant is located in the annotated argonaute linker 1 domain (DECIPHER). (I) 0801 - This variant has strong previous evidence of pathogenicity in unrelated individuals. This variant has been classified as pathogenic or likely pathogenic by multiple clinical laboratories in ClinVar. ClinVar also contains some older entries with VUS classifications. This variant has also been reported in six unrelated de novo individuals with neurodevelopmental disorder with intellectual disability, with four individuals also having seizures (PMID: 35060114, 34930816, 36563181). (SP) 0905 - No published segregation evidence has been identified for this variant. (I) 1007 - No published functional evidence has been identified for this variant. (SP) Legend: (SP) - Supporting pathogenic, (I) - Information, (SB) - Supporting benign

Blueprint Genetics
Classification: Pathogenic for AGO1-related disorders. Last evaluated: 2024-08-23. Review status: criteria provided, single submitter. Criteria: ACMG Guidelines, 2015. Collection method: clinical testing. Allele origin: germline. Affected: yes. Observed: 2 variant alleles.

Ambry Genetics
Classification: Likely pathogenic for Inborn genetic diseases. Last evaluated: 2023-04-19. Review status: criteria provided, single submitter. Criteria: Ambry Variant Classification Scheme 2023. Collection method: clinical testing. Allele origin: germline.
Comment: The c.539_541delTCT (p.F180del) alteration, located in coding exon 5 of the AGO1 gene, results from an in-frame TCT deletion at nucleotide positions c.539 to c.541. This results in the deletion of a phenylalanine residue at codon 180. This variant was not reported in population-based cohorts in the Genome Aggregation Database (gnomAD). This amino acid position is highly conserved in available vertebrate species. The p.F180 amino acid is located in the L1 linker domain, which connects the N-terminal and PAZ domains (Yuan, 2005). The L1 linker domain has been shown to interact with the DNA heteroduplex, guide RNA strands, and complementary DNA target strands (Miyoshi, 2016). Interactions between the L1 linker and the DNA target strand play an important role in DNA silencing activity (Miyoshi, 2016). This alteration is predicted to be deleterious by in silico analysis (Choi, 2012). Based on the available evidence, this alteration is classified as likely pathogenic.

Institute of Human Genetics, University of Leipzig Medical Center
Classification: Pathogenic for Seizure; Tremor; Severe intellectual disability; Severe global developmental delay; Self-injurious behavior. Last evaluated: 2022-09-07. Review status: criteria provided, single submitter. Criteria: ACMG Guidelines, 2015. Collection method: clinical testing. Allele origin: unknown. Affected: yes.
Comment: _x000D_ Criteria applied: PS2, PS4_MOD, PM1, PM2_SUP, PM4_SUP

Genetics Laboratory, UDIAT-Centre Diagnòstic, Hospital Universitari Parc Tauli
Classification: Likely pathogenic. Last evaluated: 2021-04-26. Review status: criteria provided, single submitter. Criteria: Parc Tauli Hospital Assertion Criteria 2021. Collection method: clinical testing. Allele origin: de novo. Inheritance: Autosomal dominant inheritance. Affected: yes. Observed: 1 heterozygote.
Comment: PM2_supporting;PM4_moderate;PM6_moderate;PP3_supporting

Greenwood Genetic Center Diagnostic Laboratories, Greenwood Genetic Center
Classification: Uncertain significance. Last evaluated: 2020-08-17. Review status: criteria provided, single submitter. Criteria: ACMG Guidelines, 2015. Collection method: clinical testing. Allele origin: germline. Affected: yes.

Geisinger Autism and Developmental Medicine Institute, Geisinger Health System
Classification: Uncertain significance. Last evaluated: 2017-08-03. Review status: criteria provided, single submitter. Criteria: ACMG Guidelines, 2015. Collection method: provider interpretation, clinical testing. Allele origin: de novo. Observed: 1 variant allele.
Comment: This variant is absent from gnomAD. This is a gene of uncertain significance; no known human disorders have been clearly associated with this gene.

Laboratoire de Génétique Moléculaire, CHU Bordeaux
Classification: Likely pathogenic. Review status: criteria provided, single submitter. Criteria: ACMG Guidelines, 2015. Collection method: clinical testing. Allele origin: germline. Affected: yes.

OMIM
Classification: Pathogenic for NEURODEVELOPMENTAL DISORDER WITH LANGUAGE DELAY AND BEHAVIORAL ABNORMALITIES, WITH OR WITHOUT SEIZURES. Last evaluated: 2023-03-22. Review status: no assertion criteria provided. Collection method: literature only. Allele origin: germline. Not counted in ClinVar's aggregate classification.

Department of Genetics, Rouen University Hospital, Normandy Center for Genomic and Personalized Medicine
Classification: Likely pathogenic for Neurodevelopmental abnormality. Last evaluated: 2020-05-15. Review status: no assertion criteria provided. Collection method: clinical testing. Allele origin: de novo. Affected: yes. Not counted in ClinVar's aggregate classification.

Literature cited by the submitters: PubMed 34930816 (cited by 3 submitters); PubMed 35060114 (cited by 3 submitters); PubMed 36563181 (cited by Victorian Clinical Genetics Services, Murdoch Childrens Research Institute); PubMed 16061186 (cited by Ambry Genetics); PubMed 27325485 (cited by Ambry Genetics).